The following is an entry in ClinVar:

NM_033100.4(CDHR1):c.*305C>T

Gene: CDHR1 (cadherin related family member 1; plus strand). Cytogenetic location: 10q23.1.
Variant type: single nucleotide variant.
Coding change: c.*305C>T on transcript NM_033100.4 (MANE Select); 305 bases downstream of the stop codon, C replaced by T.
Molecular consequence: 3 prime UTR variant. On other transcripts: intron variant (1).
Genome position (GRCh38, 1-based): chr10:84,214,926, C>T. VCF-style: chr10-84214926-C-T. GRCh37 (hg19) VCF-style: chr10-85974682-C-T.
Other names: c.2040+1578C>T (NM_001171971.3).
Identifiers: ClinVar variation 1694566 (VCV001694566.32), dbSNP rs41291360, ClinGen allele CA210387857.
Genomic context (GRCh38, chr10:84,214,926, plus strand): 5'-CCGTTACTCAAATCCTTGGCACTACTACAATGCCCTCCATTCTTCAGGGCTGAGAATTGA[C>T]GAGAAGCCAGCTCACCCATCCCAGACCTCACAGTCCCTCAGGTTCTACTGGGATCTCATC-3'

ClinVar aggregate classification (germline): Likely benign. Review status: criteria provided, multiple submitters, no conflicts (2 of 4 stars). 2 submissions from 2 submitters: Likely benign (2). Last evaluated 2023-03-01.

Allele frequency attached by ClinVar (database versions not stated): 1000 Genomes Project 0.00300; 1000 Genomes Project 30x 0.00375; gnomAD 0.00565 and 0.00576; TOPMed 0.00570.
gnomAD v4.1: 10,224 of 1,310,406 alleles (0.78%); highest among the groups gnomAD compares: Non-Finnish European, 0.91%; 55 homozygotes.

Submissions (2):

CeGaT Center for Human Genetics Tuebingen
Classification: Likely benign. Last evaluated: 2023-03-01. Review status: criteria provided, single submitter. Criteria: CeGaT Center For Human Genetics Tuebingen Variant Classification Criteria Version 2. Collection method: clinical testing. Allele origin: germline. Affected: yes. Observed: 2 variant alleles.
Comment: CDHR1: BS2

Blueprint Genetics
Classification: Likely benign. Last evaluated: 2018-07-04. Review status: criteria provided, single submitter. Criteria: ACMG Guidelines, 2015. Collection method: clinical testing. Allele origin: germline.